The following is an entry in ClinVar:

ClinVar aggregate classification (germline): Uncertain significance. Review status: criteria provided, multiple submitters, no conflicts (2 of 4 stars). 2 submissions from 2 submitters: Uncertain significance (2). Last evaluated 2023-12-05.

Conditions:
Hereditary cancer-predisposing syndrome. Also called: Tumor predisposition; Hereditary Cancer Syndrome; Hereditary neoplastic syndrome; Neoplastic Syndromes, Hereditary. Identifiers: Orphanet 140162, MedGen C0027672, MeSH D009386, MONDO:0015356.
POLD1-related polyposis and colorectal cancer syndrome (CRCS10). Also called: Colorectal cancer, susceptibility to, 10; Colorectal cancer 10; COLORECTAL CANCER, SUSCEPTIBILITY TO, ON CHROMOSOME 19q. Identifiers: Orphanet 220460, MedGen C2675481, MONDO:0012953, OMIM 612591.

gnomAD v4.1: 2 of 1,610,088 alleles (0.00012%); highest among the groups gnomAD compares: Non-Finnish European, 0.00017%; no homozygotes.

Submissions (2):

Ambry Genetics
Classification: Uncertain significance for Hereditary cancer-predisposing syndrome. Last evaluated: 2023-12-05. Review status: criteria provided, single submitter. Criteria: Ambry Variant Classification Scheme 2023. Collection method: clinical testing. Allele origin: germline.
Comment: The p.R834G variant (also known as c.2500A>G), located in coding exon 19 of the POLD1 gene, results from an A to G substitution at nucleotide position 2500. The arginine at codon 834 is replaced by glycine, an amino acid with dissimilar properties. This amino acid position is conserved. In addition, the in silico prediction for this alteration is inconclusive. Since supporting evidence is limited at this time, the clinical significance of this alteration remains unclear.

Labcorp Genetics (formerly Invitae), Labcorp
Classification: Uncertain significance for POLD1-related polyposis and colorectal cancer syndrome. Last evaluated: 2023-05-31. Review status: criteria provided, single submitter. Criteria: Invitae Variant Classification Sherloc (09022015). Collection method: clinical testing. Allele origin: germline.
Comment: ClinVar contains an entry for this variant (Variation ID: 1394024). This variant has not been reported in the literature in individuals affected with POLD1-related conditions. This variant is not present in population databases (gnomAD no frequency). This sequence change replaces arginine, which is basic and polar, with glycine, which is neutral and non-polar, at codon 834 of the POLD1 protein (p.Arg834Gly). Advanced modeling of protein sequence and biophysical properties (such as structural, functional, and spatial information, amino acid conservation, physicochemical variation, residue mobility, and thermodynamic stability) performed at Invitae indicates that this missense variant is expected to disrupt POLD1 protein function. In summary, the available evidence is currently insufficient to determine the role of this variant in disease. Therefore, it has been classified as a Variant of Uncertain Significance.

NM_002691.4(POLD1):c.2500A>G (p.Arg834Gly)

Gene: POLD1 (DNA polymerase delta 1, catalytic subunit; plus strand). Cytogenetic location: 19q13.33.
Variant type: single nucleotide variant.
Coding change: c.2500A>G on transcript NM_002691.4 (MANE Select); coding-DNA position 2500, A replaced by G.
Protein change: p.Arg834Gly; replaces arginine 834 with glycine.
Molecular consequence: missense variant. On other transcripts: non-coding transcript variant (1).
Genome position (GRCh38, 1-based): chr19:50,414,926, A>G. VCF-style: chr19-50414926-A-G. GRCh37 (hg19) VCF-style: chr19-50918183-A-G.
Other names: c.2500A>G, p.Arg834Gly (NM_001256849.1); c.2578A>G, p.Arg860Gly (NM_001308632.1); c.2500A>G (NM_002691.2); short protein forms R860G, R834G.
Identifiers: ClinVar variation 1394024 (VCV001394024.7), dbSNP rs2039220477, ClinGen allele CA406985127.
Genomic context (GRCh38, chr19:50,414,926, plus strand): 5'-TTCTCCTCCCGGCCCGACGCCCACGACCGCATGGACTGCAAGGGCCTGGAGGCCGTGCGC[A>G]GGGACAACTGCCCCCTCGTGGCCAACCTGGTCACTGCCTCACTGCGCCGCCTGCTCATCG-3'
Protein context (NP_002682.2, residues 824-844): MDCKGLEAVR[Arg834Gly]DNCPLVANLV